The following is an entry in ClinVar:

NM_052947.4(ALPK2):c.6337G>C (p.Asp2113His)

Gene: ALPK2 (alpha kinase 2; minus strand). Cytogenetic location: 18q21.31.
Variant type: single nucleotide variant.
Coding change: c.6337G>C on transcript NM_052947.4 (MANE Select); coding-DNA position 6337, G replaced by C.
Protein change: p.Asp2113His; replaces aspartic acid 2113 with histidine.
Molecular consequence: missense variant.
Genome position (GRCh38, 1-based): chr18:58,481,999, C>G on the plus strand (G>C on the coding strand, the complement: ALPK2 is on the minus strand). VCF-style: chr18-58481999-C-G. GRCh37 (hg19) VCF-style: chr18-56149231-C-G.
Other names: short protein forms D2113H.
Identifiers: ClinVar variation 2449291 (VCV002449291.2), dbSNP rs1252630637, ClinGen allele CA402538719.

ClinVar aggregate classification (germline): Uncertain significance (1 of 4 stars; one submission).

Allele frequency attached by ClinVar (database versions not stated): gnomAD exomes below 0.00001.
gnomAD v4.1: 2 of 1,614,108 alleles (0.00012%); highest among the groups gnomAD compares: South Asian, 0.0022%; no homozygotes.

Submission:

Ambry Genetics
Classification: Uncertain significance. Last evaluated: 2023-02-23. Review status: criteria provided, single submitter. Criteria: Ambry Variant Classification Scheme 2023. Collection method: clinical testing. Allele origin: germline.
Comment: The p.D2113H variant (also known as c.6337G>C), located in coding exon 12 of the ALPK2 gene, results from a G to C substitution at nucleotide position 6337. The aspartic acid at codon 2113 is replaced by histidine, an amino acid with similar properties. This amino acid position is conserved. In addition, this alteration is predicted to be tolerated by in silico analysis. Since supporting evidence is limited at this time, the clinical significance of this alteration remains unclear.